The following is an entry in ClinVar:

NM_002474.3(MYH11):c.4632G>C (p.Met1544Ile)

Genes: MYH11 (myosin heavy chain 11; minus strand), NDE1 (nudE neurodevelopment protein 1; plus strand). Cytogenetic location: 16p13.11.
Variant type: single nucleotide variant.
Coding change: c.4632G>C on transcript NM_002474.3 (MANE Select); coding-DNA position 4632, G replaced by C.
Protein change: p.Met1544Ile; replaces methionine 1544 with isoleucine.
Molecular consequence: missense variant. On other transcripts: intron variant (2).
Genome position (GRCh38, 1-based): chr16:15,720,998, C>G on the plus strand (G>C on the coding strand, the complement: MYH11 is on the minus strand). VCF-style: chr16-15720998-C-G. GRCh37 (hg19) VCF-style: chr16-15814855-C-G.
Other names: c.4653G>C, p.Met1551Ile (NM_001040113.2, NM_001040114.2); c.4632G>C, p.Met1544Ile (NM_022844.3); c.948-3193C>G (NM_001143979.2, NM_017668.3); short protein forms M1544I, M1551I.
Identifiers: ClinVar variation 424502 (VCV000424502.4), dbSNP rs1064797005, ClinGen allele CA16620075.

ClinVar aggregate classification (germline): Uncertain significance. Review status: criteria provided, multiple submitters, no conflicts (2 of 4 stars). 2 submissions from 2 submitters: Uncertain significance (2). Last evaluated 2017-08-31.

Submissions (2):

Blueprint Genetics
Classification: Uncertain significance. Last evaluated: 2017-08-31. Review status: criteria provided, single submitter. Criteria: ACMG Guidelines, 2015. Collection method: clinical testing. Allele origin: germline.

GeneDx
Classification: Uncertain significance. Last evaluated: 2017-03-21. Review status: criteria provided, single submitter. Criteria: GeneDx Variant Classification (06012015). Collection method: clinical testing. Allele origin: germline. Affected: yes.
Comment: The M1544I variant has not beenpublished as pathogenic or been reported as benign to our knowledge. It is not observed in large population cohorts(Lek et al., 2016; 1000 Genomes Consortium et al., 2015; Exome Variant Server). The M1544I variant is aconservative amino acid substitution, which is not likely to impact secondary protein structure as these residues sharesimilar properties. However, this substitution occurs at a position that is conserved across species, and two of three insilico models predict this variant is damaging to the protein structure/function. Nonetheless, this variant lacksobservation in a significant number of affected individuals, segregation data, and functional evidence, all of whichwould further clarify pathogenicity.